The following is an entry in ClinVar:

ClinVar aggregate classification (germline): Uncertain significance (1 of 4 stars; one submission).

Conditions:
SCAPER-related disorder. Also called: SCAPER-related condition.

Submission:

PreventionGenetics, part of Exact Sciences
Classification: Uncertain significance for SCAPER-related condition. Last evaluated: 2025-06-16. Review status: criteria provided, single submitter. Criteria: ACMG Guidelines, 2015. Collection method: clinical testing. Allele origin: germline.
Comment: The SCAPER c.3256A>C variant is predicted to result in the amino acid substitution p.Ile1086Leu. To our knowledge, this variant has not been reported in the literature or in a large population database (gnomAD), indicating this variant is rare. At this time, the clinical significance of this variant is uncertain due to the absence of conclusive functional and genetic evidence.

NM_020843.4(SCAPER):c.3238A>C (p.Ile1080Leu)

Genes: SCAPER (S-phase cyclin A associated protein in the ER; minus strand), LOC126862183 (BRD4-independent group 4 enhancer GRCh37_chr15:76726060-76727259; plus strand). Cytogenetic location: 15q24.3.
Variant type: single nucleotide variant.
Coding change: c.3238A>C on transcript NM_020843.4 (MANE Select); coding-DNA position 3238, A replaced by C.
Protein change: p.Ile1080Leu; replaces isoleucine 1080 with leucine.
Molecular consequence: missense variant. On other transcripts: non-coding transcript variant (1).
Genome position (GRCh38, 1-based): chr15:76,434,151, T>G on the plus strand (A>C on the coding strand, the complement: SCAPER is on the minus strand). VCF-style: chr15-76434151-T-G. GRCh37 (hg19) VCF-style: chr15-76726492-T-G.
Other names: c.2500A>C, p.Ile834Leu (NM_001145923.2); c.3256A>C, p.Ile1086Leu (NM_001353009.2); c.2836A>C, p.Ile946Leu (NM_001353010.2, NM_001353012.2); c.2854A>C, p.Ile952Leu (NM_001353011.2); short protein forms I834L, I946L, I952L, I1086L, I1080L.
Identifiers: ClinVar variation 4999657 (VCV004999657.1).